The following is an entry in ClinVar:

NC_000006.11:g.(?_170151754)_(170599227_?)del

Genes: DLL1 (delta like canonical Notch ligand 1; minus strand), ERMARD (ER membrane associated RNA degradation; plus strand). Cytogenetic location: 6q27.
Variant type: Deletion.
Identifiers: ClinVar variation 2445504 (VCV002445504.2).

ClinVar aggregate classification (germline): Uncertain significance (1 of 4 stars; one submission).

Submission:

Labcorp Genetics (formerly Invitae), Labcorp
Classification: Uncertain significance. Last evaluated: 2023-06-06. Review status: criteria provided, single submitter. Criteria: Invitae Variant Classification Sherloc (09022015). Collection method: clinical testing. Allele origin: germline.
Comment: In summary, the available evidence is currently insufficient to determine the role of this variant in disease. Therefore, it has been classified as a Variant of Uncertain Significance. This variant is also known as deletion of C6orf70. Isolated whole-gene deletions of ERMARD have not been reported in the literature. However, larger copy number events that include this gene have been reported (PMID: 24056535). A gross deletion of the genomic region encompassing the full coding sequence of the ERMARD gene has been identified. The current clinical and genetic evidence is not sufficient to establish whether loss-of-function variants in ERMARD cause disease. The boundaries of this event are unknown as they extend beyond the assayed region for this gene and therefore may encompass additional genes.

Literature cited by the submitters: PubMed 24056535.